The following is an entry in ClinVar:

NM_000059.4(BRCA2):c.9194_9195del (p.Phe3065fs)

Gene: BRCA2 (BRCA2 DNA repair associated; plus strand). Cytogenetic location: 13q13.1.
Variant type: Deletion.
Coding change: c.9194_9195del on transcript NM_000059.4 (MANE Select); coding-DNA positions 9194 to 9195, 2 bases deleted (TT; older notation c.9194_9195delTT).
Protein change: p.Phe3065fs; shifts the reading frame from phenylalanine 3065.
Molecular consequence: frameshift variant.
Genome position (GRCh38, 1-based): chr13:32,380,083-32,380,084, TT deleted; deleting any 2 consecutive bases within chr13:32,380,082-32,380,084 gives the same sequence; the c. name uses the placement nearest the transcript's 3' end. VCF-style (leftmost placement, unchanged base first): chr13-32380081-CTT-C. GRCh37 (hg19) VCF-style: chr13-32954218-CTT-C.
Other names: c.9194_9195delTT (NM_000059.3); short protein forms F3065fs.
Identifiers: ClinVar variation 142316 (VCV000142316.13), dbSNP rs587782378, ClinGen allele CA026025.

ClinVar aggregate classification (germline): Pathogenic. Review status: reviewed by expert panel (3 of 4 stars). 3 submissions from 3 submitters: Pathogenic (1). 2 of the submissions do not count toward it. Last evaluated 2016-09-08.

Conditions:
Hereditary cancer-predisposing syndrome. Also called: Neoplastic Syndromes, Hereditary; Hereditary Cancer Syndrome; Hereditary neoplastic syndrome; Tumor predisposition. Identifiers: Orphanet 140162, MedGen C0027672, MeSH D009386, MONDO:0015356.
Hereditary breast ovarian cancer syndrome. Also called: Hereditary breast and ovarian cancer syndrome; Hereditary breast and/or ovarian cancer syndrome; BRCA1- and BRCA2-Associated Hereditary Breast and Ovarian Cancer; Hereditary breast and ovarian cancer; Breast and ovarian cancer; Hereditary breast and ovarian cancer syndrome (HBOC). Identifiers: Orphanet 145, MedGen C0677776, MeSH D061325, MONDO:0003582. Disease mechanism: loss of function.
Breast-ovarian cancer, familial, susceptibility to, 2 (BROVCA2). Also called: BRCA2 Hereditary Breast and Ovarian Cancer. Identifiers: Orphanet 145, MedGen C2675520, MONDO:0012933, OMIM 612555. Disease mechanism: loss of function.

Submissions (3):

Evidence-based Network for the Interpretation of Germline Mutant Alleles (ENIGMA)
Classification: Pathogenic for Breast-ovarian cancer, familial, susceptibility to, 2. Last evaluated: 2016-09-08. Review status: reviewed by expert panel. Criteria: ENIGMA BRCA1/2 Classification Criteria (2015). Collection method: curation. Allele origin: germline.
Comment: Variant allele predicted to encode a truncated non-functional protein.

Labcorp Genetics (formerly Invitae), Labcorp
Classification: Pathogenic for Hereditary breast ovarian cancer syndrome. Last evaluated: 2023-12-21. Review status: criteria provided, single submitter. Criteria: Invitae Variant Classification Sherloc (09022015). Collection method: clinical testing. Allele origin: germline. Not counted in ClinVar's aggregate classification.
Comment: This sequence change creates a premature translational stop signal (p.Phe3065Serfs*6) in the BRCA2 gene. It is expected to result in an absent or disrupted protein product. Loss-of-function variants in BRCA2 are known to be pathogenic (PMID: 20104584). This variant is not present in population databases (gnomAD no frequency). This variant has not been reported in the literature in individuals affected with BRCA2-related conditions. ClinVar contains an entry for this variant (Variation ID: 142316). For these reasons, this variant has been classified as Pathogenic.

Ambry Genetics
Classification: Pathogenic for Hereditary cancer-predisposing syndrome. Last evaluated: 2020-02-13. Review status: criteria provided, single submitter. Criteria: Ambry Variant Classification Scheme 2023. Collection method: clinical testing. Allele origin: germline. Not counted in ClinVar's aggregate classification.
Comment: The c.9194_9195delTT pathogenic mutation, located in coding exon 23 of the BRCA2 gene, results from a deletion of two nucleotides at nucleotide positions 9194 to 9195, causing a translational frameshift with a predicted alternate stop codon (p.F3065Sfs*6). This alteration is expected to result in loss of function by premature protein truncation or nonsense-mediated mRNA decay. As such, this alteration is interpreted as a disease-causing mutation.

Literature cited by the submitters: PubMed 20104584 (cited by Labcorp Genetics (formerly Invitae), Labcorp).